The following is an entry in ClinVar:

NM_001023.4(RPS20):c.30C>A (p.Pro10=)

Gene: RPS20 (ribosomal protein S20; minus strand). Cytogenetic location: 8q12.1.
Variant type: single nucleotide variant.
Coding change: c.30C>A on transcript NM_001023.4 (MANE Select); coding-DNA position 30, C replaced by A.
Protein change: p.Pro10=; no amino-acid change (proline 10 retained).
Molecular consequence: synonymous variant.
Genome position (GRCh38, 1-based): chr8:56,074,133, G>T on the plus strand (C>A on the coding strand, the complement: RPS20 is on the minus strand). VCF-style: chr8-56074133-G-T. GRCh37 (hg19) VCF-style: chr8-56986692-G-T.
Other names: c.30C>A, p.Pro10= (NM_001146227.3).
Identifiers: ClinVar variation 3765459 (VCV003765459.2).

ClinVar aggregate classification (germline): Benign/Likely benign. Review status: criteria provided, multiple submitters, no conflicts (2 of 4 stars). 2 submissions from 2 submitters: Benign (1); Likely benign (1). Last evaluated 2026-08-03.

Conditions:
Familial colorectal cancer type X. Identifiers: Orphanet 440437, MedGen C3896578, MONDO:0018604.

Submissions (2):

Myriad Genetics, Inc.
Classification: Benign for Familial colorectal cancer type X. Last evaluated: 2026-08-03. Review status: criteria provided, single submitter. Criteria: Myriad Autosomal Dominant, Autosomal Recessive and X-Linked Classification Criteria (2023). Collection method: clinical testing. Allele origin: unknown.
Comment: This variant is considered benign. This variant is a silent/synonymous amino acid change and it is not expected to impact splicing.

Center for Genomic Medicine, Rigshospitalet, Copenhagen University Hospital
Classification: Likely benign. Last evaluated: 2025-03-04. Review status: criteria provided, single submitter. Criteria: ACMG Guidelines, 2015. Collection method: clinical testing. Allele origin: germline.